The following is an entry in ClinVar:

ClinVar aggregate classification (germline): Uncertain significance (1 of 4 stars; one submission).

Conditions:
Neuronal ceroid lipofuscinosis 7 (CLN7). Also called: MFSD8-Related Neuronal Ceroid-Lipofuscinosis. Identifiers: Orphanet 168491, Orphanet 228366, MedGen C1838571, MONDO:0012588, OMIM 610951.

Submission:

Labcorp Genetics (formerly Invitae), Labcorp
Classification: Uncertain significance for Neuronal ceroid lipofuscinosis 7. Last evaluated: 2022-02-24. Review status: criteria provided, single submitter. Criteria: Invitae Variant Classification Sherloc (09022015). Collection method: clinical testing. Allele origin: germline.
Comment: In summary, the available evidence is currently insufficient to determine the role of this variant in disease. Therefore, it has been classified as a Variant of Uncertain Significance. Algorithms developed to predict the effect of missense changes on protein structure and function (SIFT, PolyPhen-2, Align-GVGD) all suggest that this variant is likely to be disruptive. ClinVar contains an entry for this variant (Variation ID: 963352). This variant has not been reported in the literature in individuals affected with MFSD8-related conditions. This variant is not present in population databases (gnomAD no frequency). This sequence change replaces alanine, which is neutral and non-polar, with serine, which is neutral and polar, at codon 159 of the MFSD8 protein (p.Ala159Ser).

NM_001371596.2(MFSD8):c.475G>T (p.Ala159Ser)

Gene: MFSD8 (major facilitator superfamily domain containing 8; minus strand). Cytogenetic location: 4q28.2.
Variant type: single nucleotide variant.
Coding change: c.475G>T on transcript NM_001371596.2 (MANE Select); coding-DNA position 475, G replaced by T.
Protein change: p.Ala159Ser; replaces alanine 159 with serine.
Molecular consequence: missense variant. On other transcripts: intron variant (4).
Genome position (GRCh38, 1-based): chr4:127,942,123, C>A on the plus strand (G>T on the coding strand, the complement: MFSD8 is on the minus strand). VCF-style: chr4-127942123-C-A. GRCh37 (hg19) VCF-style: chr4-128863278-C-A.
Other names: c.475G>T, p.Ala159Ser (NM_001363520.3, NM_001371591.2, NM_001371592.2 and 2 more transcripts); c.340G>T, p.Ala114Ser (NM_001371590.2, NM_001371595.1); c.304+1629G>T (NM_001410765.1); c.439+1629G>T (NM_001363521.3, NM_001410766.1, NM_001371593.2); short protein forms A114S, A159S.
Identifiers: ClinVar variation 963352 (VCV000963352.8), dbSNP rs1740290508, ClinGen allele CA358176370.
Genomic context (GRCh38, chr4:127,942,123, plus strand): 5'-CTAATGCTTGACACATGCTTATGTTTGCCATGGAACTTGTTCTTTCCTGAAGGGAAGTAG[C>A]ACCAGCAGTATATGATCTAACAACTGCTACATTTCCTTAAAAACAAGACACAATAATCCA-3'
Protein context (NP_001358525.1, residues 149-169): VAVVRSYTAG[Ala159Ser]TSLQERTSSM